The following is an entry in ClinVar:

NM_201596.3(CACNB2):c.1478C>G (p.Ser493Cys)

Gene: CACNB2 (calcium voltage-gated channel auxiliary subunit beta 2; plus strand). Cytogenetic location: 10p12.31.
Variant type: single nucleotide variant.
Coding change: c.1478C>G on transcript NM_201596.3 (MANE Select); coding-DNA position 1478, C replaced by G.
Protein change: p.Ser493Cys; replaces serine 493 with cysteine.
Molecular consequence: missense variant.
Genome position (GRCh38, 1-based): chr10:18,538,355, C>G. VCF-style: chr10-18538355-C-G. GRCh37 (hg19) VCF-style: chr10-18827284-C-G.
Other names: c.1313C>G, p.Ser438Cys (NM_000724.4); c.1280C>G, p.Ser427Cys (NM_001167945.2); c.1199C>G, p.Ser400Cys (NM_001330060.2); c.1220C>G, p.Ser407Cys (NM_001410882.1); c.1334C>G, p.Ser445Cys (NM_201570.3); c.1394C>G, p.Ser465Cys (NM_201571.4); c.1322C>G, p.Ser441Cys (NM_201572.4); c.1316C>G, p.Ser439Cys (NM_201590.3); and 2 more; short protein forms S400C, S407C, S427C, S438C, S439C, S441C, S445C, S455C.
Identifiers: ClinVar variation 3230191 (VCV003230191.1), dbSNP rs2053808617, ClinGen allele CA376070641.
Genomic context (GRCh38, chr10:18,538,355, plus strand): 5'-ACCCTCTCCTTAGCCGTACATTAGCCACTTCAAGTCTGCCTCTTAGCCCCACCCTAGCCT[C>G]TAATTCACAGGTAAGGGGAGTTTTTATATATATCTATATATACAATCTTCATAGAAAAAA-3'
Protein context (NP_963890.2, residues 483-503): SSLPLSPTLA[Ser493Cys]NSQGSQGDQR

ClinVar aggregate classification (germline): Uncertain significance (1 of 4 stars; one submission).

Conditions:
Cardiovascular phenotype. Identifiers: MedGen CN230736.

Allele frequency attached by ClinVar (database versions not stated): gnomAD 0.00001.
gnomAD v4.1: 1 of 1,609,980 alleles (0.000062%); highest among the groups gnomAD compares: South Asian, 0.0011%; no homozygotes.

Submission:

Ambry Genetics
Classification: Uncertain significance for Cardiovascular phenotype. Last evaluated: 2024-03-04. Review status: criteria provided, single submitter. Criteria: Ambry Variant Classification Scheme 2023. Collection method: clinical testing. Allele origin: germline.
Comment: The p.S439C variant (also known as c.1316C>G), located in coding exon 12 of the CACNB2 gene, results from a C to G substitution at nucleotide position 1316. The serine at codon 439 is replaced by cysteine, an amino acid with dissimilar properties. This amino acid position is conserved. In addition, the in silico prediction for this alteration is inconclusive. Based on the available evidence, the clinical significance of this alteration remains unclear.